The following is an entry in ClinVar:

NM_000553.6(WRN):c.2215G>A (p.Val739Ile)

Gene: WRN (WRN RecQ like helicase; plus strand). Cytogenetic location: 8p12.
Variant type: single nucleotide variant.
Coding change: c.2215G>A on transcript NM_000553.6 (MANE Select); coding-DNA position 2215, G replaced by A.
Protein change: p.Val739Ile; replaces valine 739 with isoleucine.
Molecular consequence: missense variant.
Genome position (GRCh38, 1-based): chr8:31,111,741, G>A. VCF-style: chr8-31111741-G-A. GRCh37 (hg19) VCF-style: chr8-30969257-G-A.
Other names: short protein forms V739I.
Identifiers: ClinVar variation 458411 (VCV000458411.7), dbSNP rs773337566, ClinGen allele CA4704671.

ClinVar aggregate classification (germline): Uncertain significance (1 of 4 stars; one submission).

Conditions:
Werner syndrome (WRN). Identifiers: Orphanet 902, MedGen C0043119, MONDO:0010196, OMIM 277700.

Allele frequency attached by ClinVar (database versions not stated): gnomAD exomes 0.00002 and 0.00003; ExAC 0.00003.
gnomAD v4.1: 12 of 1,613,928 alleles (0.00074%); highest among the groups gnomAD compares: Non-Finnish European, 0.00085%; no homozygotes.

Submission:

Labcorp Genetics (formerly Invitae), Labcorp
Classification: Uncertain significance for Werner syndrome. Last evaluated: 2024-03-06. Review status: criteria provided, single submitter. Criteria: Invitae Variant Classification Sherloc (09022015). Collection method: clinical testing. Allele origin: germline.
Comment: This sequence change replaces valine, which is neutral and non-polar, with isoleucine, which is neutral and non-polar, at codon 739 of the WRN protein (p.Val739Ile). This variant is present in population databases (rs773337566, gnomAD 0.005%). This variant has not been reported in the literature in individuals affected with WRN-related conditions. ClinVar contains an entry for this variant (Variation ID: 458411). An algorithm developed to predict the effect of missense changes on protein structure and function (PolyPhen-2) suggests that this variant is likely to be disruptive. In summary, the available evidence is currently insufficient to determine the role of this variant in disease. Therefore, it has been classified as a Variant of Uncertain Significance.